The following is an entry in ClinVar:

NM_007294.4(BRCA1):c.4152del (p.Leu1385fs)

Gene: BRCA1 (BRCA1 DNA repair associated; minus strand). Cytogenetic location: 17q21.31.
Variant type: Deletion.
Coding change: c.4152del on transcript NM_007294.4 (MANE Select); coding-DNA position 4152, one base deleted (G; older notation c.4152delG).
Protein change: p.Leu1385fs; shifts the reading frame from leucine 1385.
Molecular consequence: frameshift variant.
Genome position (GRCh38, 1-based): chr17:43,090,977, C deleted on the plus strand (G on the coding strand, the reverse complement: BRCA1 is on the minus strand); the first of 3 consecutive C bases (chr17:43,090,977-43,090,979); deleting any one gives the same sequence. VCF-style (leftmost placement, unchanged base first): chr17-43090976-GC-G. GRCh37 (hg19) VCF-style: chr17-41242993-GC-G.
Other names: c.3819del, p.Leu1274fs (NM_001407949.1, NM_001407950.1, NM_001407951.1 and 6 more transcripts); c.3816del, p.Leu1273fs (NM_001407955.1, NM_001407954.1, NM_001407956.1 and 1 more transcripts); c.4149del, p.Leu1384fs (NM_001407637.1, NM_001407638.1, NM_001407644.1 and 22 more transcripts); c.4152del, p.Leu1385fs (NM_001407639.1, NM_001407640.1, NM_001407641.1 and 30 more transcripts); c.4143del, p.Leu1382fs (NM_001407646.1, NM_001407647.1); c.4029del, p.Leu1344fs (NM_001407648.1, NM_001407664.1, NM_001407665.1 and 19 more transcripts); c.4026del, p.Leu1343fs (NM_001407649.1, NM_001407670.1, NM_001407671.1 and 11 more transcripts); c.4074del, p.Leu1359fs (NM_001407653.1, NM_001407654.1, NM_001407655.1 and 4 more transcripts); and 42 more; short protein forms L1273fs, L1296fs, L1314fs, L1315fs, L1382fs, L1385fs, L155fs, L202fs.
Identifiers: ClinVar variation 3481824 (VCV003481824.1).

ClinVar aggregate classification (germline): Pathogenic (1 of 4 stars; one submission).

Conditions:
Hereditary cancer-predisposing syndrome. Also called: Tumor predisposition; Neoplastic Syndromes, Hereditary; Hereditary Cancer Syndrome; Hereditary neoplastic syndrome. Identifiers: Orphanet 140162, MedGen C0027672, MeSH D009386, MONDO:0015356.

Submission:

Ambry Genetics
Classification: Pathogenic for Hereditary cancer-predisposing syndrome. Last evaluated: 2024-07-10. Review status: criteria provided, single submitter. Criteria: Ambry Variant Classification Scheme 2023. Collection method: clinical testing. Allele origin: germline.
Comment: The c.4152delG pathogenic mutation, located in coding exon 10 of the BRCA1 gene, results from a deletion of one nucleotide at nucleotide position 4152, causing a translational frameshift with a predicted alternate stop codon (p.L1385Yfs*8). This variant is considered to be rare based on population cohorts in the Genome Aggregation Database (gnomAD). This alteration is expected to result in loss of function by premature protein truncation or nonsense-mediated mRNA decay. As such, this alteration is interpreted as a disease-causing mutation.